The following is an entry in ClinVar:

ClinVar aggregate classification (germline): Uncertain significance. Review status: criteria provided, multiple submitters, no conflicts (2 of 4 stars). 2 submissions from 2 submitters: Uncertain significance (2). Last evaluated 2025-05-26.

Conditions:
Cardiovascular phenotype. Identifiers: MedGen CN230736.

Submissions (2):

Ambry Genetics
Classification: Uncertain significance for Cardiovascular phenotype. Last evaluated: 2025-05-26. Review status: criteria provided, single submitter. Criteria: Ambry Variant Classification Scheme 2023. Collection method: clinical testing. Allele origin: germline.
Comment: The p.N1496D variant (also known as c.4486A>G), located in coding exon 26 of the FLNC gene, results from an A to G substitution at nucleotide position 4486. The asparagine at codon 1496 is replaced by aspartic acid, an amino acid with highly similar properties. This amino acid position is conserved. In addition, this alteration is predicted to be tolerated by in silico analysis. Based on the available evidence, the clinical significance of this variant remains unclear.

GeneDx
Classification: Uncertain significance. Last evaluated: 2022-04-29. Review status: criteria provided, single submitter. Criteria: GeneDx Variant Classification Process June 2021. Collection method: clinical testing. Allele origin: germline. Affected: yes.
Comment: Has not been previously published as pathogenic or benign to our knowledge; Not observed at significant frequency in large population cohorts (gnomAD); In silico analysis supports that this missense variant has a deleterious effect on protein structure/function

NM_001458.5(FLNC):c.4486A>G (p.Asn1496Asp)

Gene: FLNC (filamin C; plus strand). Cytogenetic location: 7q32.1.
Variant type: single nucleotide variant.
Coding change: c.4486A>G on transcript NM_001458.5 (MANE Select); coding-DNA position 4486, A replaced by G.
Protein change: p.Asn1496Asp; replaces asparagine 1496 with aspartic acid.
Molecular consequence: missense variant.
Genome position (GRCh38, 1-based): chr7:128,847,974, A>G. VCF-style: chr7-128847974-A-G. GRCh37 (hg19) VCF-style: chr7-128488028-A-G.
Other names: c.4486A>G, p.Asn1496Asp (NM_001127487.2); short protein forms N1496D.
Identifiers: ClinVar variation 1712788 (VCV001712788.3), dbSNP rs2536646441, ClinGen allele CA369201864.
Genomic context (GRCh38, chr7:128,847,974, plus strand): 5'-AGGCTCTGCTGACCCTGTGCCCCTTGCCCAGGTGTGGCCGAGCCTGTGGAGGTGCGGGAC[A>G]ATGGAGATGGCACCCACACTGTCCACTACACCCCAGCCACTGACGGGCCCTACACGGTAG-3'
Protein context (NP_001449.3, residues 1486-1506): GVAEPVEVRD[Asn1496Asp]GDGTHTVHYT